The following is an entry in ClinVar:

ClinVar aggregate classification (germline): Benign (1 of 4 stars; one submission).

Allele frequency attached by ClinVar (database versions not stated): 1000 Genomes Project 0.53015; 1000 Genomes Project 30x 0.53716; TOPMed 0.55001.
gnomAD v4.1: 81,267 of 152,050 alleles (53%); highest among the groups gnomAD compares: Admixed American, 61%; 22,014 homozygotes.

Submission:

GeneDx
Classification: Benign. Last evaluated: 2018-06-19. Review status: criteria provided, single submitter. Criteria: GeneDx Variant Classification (06012015). Collection method: clinical testing. Allele origin: germline. Affected: yes.
Comment: This variant is considered likely benign or benign based on one or more of the following criteria: it is a conservative change, it occurs at a poorly conserved position in the protein, it is predicted to be benign by multiple in silico algorithms, and/or has population frequency not consistent with disease.

NM_005908.4(MANBA):c.2157+161A>G

Gene: MANBA (mannosidase beta; minus strand). Cytogenetic location: 4q24.
Variant type: single nucleotide variant.
Coding change: c.2157+161A>G on transcript NM_005908.4 (MANE Select); 161 bases into the intron after coding-DNA position 2157, A replaced by G.
Molecular consequence: intron variant.
Genome position (GRCh38, 1-based): chr4:102,635,704, T>C on the plus strand (A>G on the coding strand, the complement: MANBA is on the minus strand). VCF-style: chr4-102635704-T-C. GRCh37 (hg19) VCF-style: chr4-103556861-T-C.
Identifiers: ClinVar variation 667472 (VCV000667472.1), dbSNP rs3733202, ClinGen allele CA15309429.